The following is an entry in ClinVar:

NC_000002.11:g.(?_24443763)_(30143525_?)dup

Genes: ABHD1 (abhydrolase domain containing 1; plus strand), ADCY3 (adenylate cyclase 3; minus strand), ADGRF3 (adhesion G protein-coupled receptor F3; minus strand), AGBL5 (AGBL carboxypeptidase 5; plus strand), ALK (ALK receptor tyrosine kinase; minus strand) and 69 more. Cytogenetic location: 2p23.3-23.1.
Variant type: Duplication.
Identifiers: ClinVar variation 2425074 (VCV002425074.1).

ClinVar aggregate classification (germline): Uncertain significance (1 of 4 stars; one submission).

Submission:

Labcorp Genetics (formerly Invitae), Labcorp
Classification: Uncertain significance. Last evaluated: 2022-09-23. Review status: criteria provided, single submitter. Criteria: Invitae Variant Classification Sherloc (09022015). Collection method: clinical testing. Allele origin: germline.
Comment: A copy number gain of the genomic region encompassing the full coding sequence of the CAD gene has been identified. The boundaries of this event are unknown as they extend beyond the assayed region for this gene and therefore may encompass additional genes. As the precise location of this event is unknown, it may be in tandem or it may be located elsewhere in the genome. This variant has not been reported in the literature in individuals affected with CAD-related conditions. In summary, the available evidence is currently insufficient to determine the role of this variant in disease. Therefore, it has been classified as a Variant of Uncertain Significance.